The following is an entry in ClinVar:

ClinVar aggregate classification (germline): Uncertain significance (1 of 4 stars; one submission).

Conditions:
Bardet-Biedl syndrome (BBS). Identifiers: Orphanet 110, MedGen C0752166, MONDO:0015229.

Allele frequency attached by ClinVar (database versions not stated): gnomAD exomes below 0.00001.
gnomAD v4.1: 1 of 1,613,372 alleles (0.000062%); highest among the groups gnomAD compares: Non-Finnish European, 0.000085%; no homozygotes.

Submission:

Labcorp Genetics (formerly Invitae), Labcorp
Classification: Uncertain significance for Bardet-Biedl syndrome. Last evaluated: 2025-07-28. Review status: criteria provided, single submitter. Criteria: Invitae Variant Classification Sherloc (09022015). Collection method: clinical testing. Allele origin: germline.
Comment: This sequence change replaces proline, which is neutral and non-polar, with leucine, which is neutral and non-polar, at codon 31 of the BBS10 protein (p.Pro31Leu). The frequency data for this variant in the population databases is considered unreliable, as metrics indicate poor data quality at this position in the gnomAD database. This missense change has been observed in individual(s) with Bardet-Biedl syndrome (PMID: 21209035). ClinVar contains an entry for this variant (Variation ID: 936427). Invitae Evidence Modeling of protein sequence and biophysical properties (such as structural, functional, and spatial information, amino acid conservation, physicochemical variation, residue mobility, and thermodynamic stability) indicates that this missense variant is expected to disrupt BBS10 protein function with a positive predictive value of 80%. In summary, the available evidence is currently insufficient to determine the role of this variant in disease. Therefore, it has been classified as a Variant of Uncertain Significance.

Literature cited by the submitters: PubMed 21209035.

NM_024685.4(BBS10):c.92C>T (p.Pro31Leu)

Gene: BBS10 (Bardet-Biedl syndrome 10; minus strand). Cytogenetic location: 12q21.2.
Variant type: single nucleotide variant.
Coding change: c.92C>T on transcript NM_024685.4 (MANE Select); coding-DNA position 92, C replaced by T.
Protein change: p.Pro31Leu; replaces proline 31 with leucine.
Molecular consequence: missense variant.
Genome position (GRCh38, 1-based): chr12:76,348,267, G>A on the plus strand (C>T on the coding strand, the complement: BBS10 is on the minus strand). VCF-style: chr12-76348267-G-A. GRCh37 (hg19) VCF-style: chr12-76742047-G-A.
Other names: short protein forms P31L.
Identifiers: ClinVar variation 936427 (VCV000936427.7), dbSNP rs1486182131, ClinGen allele CA385816260.